The following is an entry in ClinVar:

ClinVar aggregate classification (germline): Uncertain significance. Review status: criteria provided, multiple submitters, no conflicts (2 of 4 stars). 2 submissions from 2 submitters: Uncertain significance (2). Last evaluated 2024-07-09.

Allele frequency attached by ClinVar (database versions not stated): TOPMed below 0.00001.

Submissions (2):

GeneDx
Classification: Uncertain significance. Last evaluated: 2024-07-09. Review status: criteria provided, single submitter. Criteria: GeneDx Variant Classification Process June 2021. Collection method: clinical testing. Allele origin: germline. Affected: yes.
Comment: Not observed at significant frequency in large population cohorts (gnomAD); In silico analysis supports that this missense variant has a deleterious effect on protein structure/function; Has not been previously published as pathogenic or benign to our knowledge

Blueprint Genetics
Classification: Uncertain significance. Last evaluated: 2023-05-25. Review status: criteria provided, single submitter. Criteria: ACMG Guidelines, 2015. Collection method: clinical testing. Allele origin: germline.

NM_023110.3(FGFR1):c.673A>G (p.Lys225Glu)

Gene: FGFR1 (fibroblast growth factor receptor 1; minus strand). Cytogenetic location: 8p11.23.
Variant type: single nucleotide variant.
Coding change: c.673A>G on transcript NM_023110.3 (MANE Select); coding-DNA position 673, A replaced by G.
Protein change: p.Lys225Glu; replaces lysine 225 with glutamic acid.
Molecular consequence: missense variant.
Genome position (GRCh38, 1-based): chr8:38,426,194, T>C on the plus strand (A>G on the coding strand, the complement: FGFR1 is on the minus strand). VCF-style: chr8-38426194-T-C. GRCh37 (hg19) VCF-style: chr8-38283712-T-C.
Other names: c.673A>G, p.Lys225Glu (NM_001174063.2); c.649A>G, p.Lys217Glu (NM_001174064.2); c.667A>G, p.Lys223Glu (NM_001174065.2, NM_001354367.2, NM_001354369.2 and 1 more transcripts); c.406A>G, p.Lys136Glu (NM_001174066.2, NM_023105.3); c.766A>G, p.Lys256Glu (NM_001174067.2); c.400A>G, p.Lys134Glu (NM_001354368.2, NM_001354370.2, NM_023106.3); short protein forms K134E, K136E, K217E, K223E, K225E, K256E.
Identifiers: ClinVar variation 1693428 (VCV001693428.4), dbSNP rs1820696854, ClinGen allele CA370735362.